The following is an entry in ClinVar:

NM_001379500.1(COL18A1):c.1319C>T (p.Pro440Leu)

Gene: COL18A1 (collagen type XVIII alpha 1 chain; plus strand). Cytogenetic location: 21q22.3.
Variant type: single nucleotide variant.
Coding change: c.1319C>T on transcript NM_001379500.1 (MANE Select); coding-DNA position 1319, C replaced by T.
Protein change: p.Pro440Leu; replaces proline 440 with leucine.
Molecular consequence: missense variant.
Genome position (GRCh38, 1-based): chr21:45,480,077, C>T. VCF-style: chr21-45480077-C-T. GRCh37 (hg19) VCF-style: chr21-46899991-C-T.
Other names: c.1859C>T, p.Pro620Leu (NM_030582.4); c.2564C>T, p.Pro855Leu (NM_130444.3); short protein forms P440L, P620L, P855L.
Identifiers: ClinVar variation 1715692 (VCV001715692.5), dbSNP rs2517622307, ClinGen allele CA410516884.

ClinVar aggregate classification (germline): Uncertain significance (1 of 4 stars; one submission).

Submission:

Labcorp Genetics (formerly Invitae), Labcorp
Classification: Uncertain significance. Last evaluated: 2022-08-08. Review status: criteria provided, single submitter. Criteria: Invitae Variant Classification Sherloc (09022015). Collection method: clinical testing. Allele origin: germline.
Comment: This sequence change replaces proline, which is neutral and non-polar, with leucine, which is neutral and non-polar, at codon 440 of the COL18A1 protein (p.Pro440Leu). In summary, the available evidence is currently insufficient to determine the role of this variant in disease. Therefore, it has been classified as a Variant of Uncertain Significance. Experimental studies and prediction algorithms are not available or were not evaluated, and the functional significance of this variant is currently unknown. This variant has not been reported in the literature in individuals affected with COL18A1-related conditions. This variant is not present in population databases (gnomAD no frequency).